The following continues an entry in ClinVar:

NM_001048174.2(MUTYH):c.1192C>T (p.Arg398Cys)

Gene: MUTYH. ClinVar aggregate classification (germline): Conflicting classifications of pathogenicity. Uncertain significance (12); Likely benign (11).

Literature cited by the submitters, continued: PubMed 25980754 (cited by Quest Diagnostics Nichols Institute San Juan Capistrano and Laboratory for Molecular Medicine, Mass General Brigham Personalized Medicine); PubMed 21777424 (cited by Quest Diagnostics Nichols Institute San Juan Capistrano and Laboratory for Molecular Medicine, Mass General Brigham Personalized Medicine); PubMed 28944238 (cited by Quest Diagnostics Nichols Institute San Juan Capistrano and Women's Health and Genetics/Laboratory Corporation of America, LabCorp); PubMed 16134147 (cited by 6 submitters); PubMed 14991577 (cited by 4 submitters); PubMed 16557584 (cited by 6 submitters); PubMed 14579148 (cited by Quest Diagnostics Nichols Institute San Juan Capistrano and Laboratory for Molecular Medicine, Mass General Brigham Personalized Medicine); PubMed 16616356 (cited by 3 submitters); PubMed 25820570 (cited by 3 submitters); PubMed 20687945 (cited by 5 submitters); PubMed 28135145 (cited by Quest Diagnostics Nichols Institute San Juan Capistrano and Women's Health and Genetics/Laboratory Corporation of America, LabCorp); PubMed 22976915 (cited by Quest Diagnostics Nichols Institute San Juan Capistrano and Women's Health and Genetics/Laboratory Corporation of America, LabCorp); PubMed 31921681 (cited by Quest Diagnostics Nichols Institute San Juan Capistrano and Women's Health and Genetics/Laboratory Corporation of America, LabCorp); PubMed 30850667 (cited by Quest Diagnostics Nichols Institute San Juan Capistrano and Women's Health and Genetics/Laboratory Corporation of America, LabCorp); PubMed 26976419 (cited by 3 submitters); PubMed 27443514 (cited by Quest Diagnostics Nichols Institute San Juan Capistrano and Women's Health and Genetics/Laboratory Corporation of America, LabCorp); PubMed 30151275 (cited by Quest Diagnostics Nichols Institute San Juan Capistrano and Women's Health and Genetics/Laboratory Corporation of America, LabCorp); PubMed 30256826 (cited by Quest Diagnostics Nichols Institute San Juan Capistrano and Women's Health and Genetics/Laboratory Corporation of America, LabCorp); PubMed 30564557 (cited by Quest Diagnostics Nichols Institute San Juan Capistrano and Women's Health and Genetics/Laboratory Corporation of America, LabCorp); PubMed 31159747 (cited by Quest Diagnostics Nichols Institute San Juan Capistrano and Women's Health and Genetics/Laboratory Corporation of America, LabCorp); PubMed 35628513 (cited by 3 submitters); PubMed 35430768 (cited by Quest Diagnostics Nichols Institute San Juan Capistrano and Women's Health and Genetics/Laboratory Corporation of America, LabCorp); PubMed 31422818 (cited by Quest Diagnostics Nichols Institute San Juan Capistrano and Women's Health and Genetics/Laboratory Corporation of America, LabCorp); PubMed 35668106 (cited by Quest Diagnostics Nichols Institute San Juan Capistrano and Mayo Clinic Laboratories, Mayo Clinic); PubMed 37937776 (cited by Quest Diagnostics Nichols Institute San Juan Capistrano); PubMed 38254803 (cited by Quest Diagnostics Nichols Institute San Juan Capistrano); PubMed 33134171 (cited by Women's Health and Genetics/Laboratory Corporation of America, LabCorp); PubMed 35089076 (cited by Women's Health and Genetics/Laboratory Corporation of America, LabCorp).